The following is an entry in ClinVar:

NM_001128840.3(CACNA1D):c.2035G>T (p.Asp679Tyr)

Gene: CACNA1D (calcium voltage-gated channel subunit alpha1 D; plus strand). Cytogenetic location: 3p21.1.
Variant type: single nucleotide variant.
Coding change: c.2035G>T on transcript NM_001128840.3 (MANE Select); coding-DNA position 2035, G replaced by T.
Protein change: p.Asp679Tyr; replaces aspartic acid 679 with tyrosine.
Molecular consequence: missense variant.
Genome position (GRCh38, 1-based): chr3:53,723,934, G>T. VCF-style: chr3-53723934-G-T. GRCh37 (hg19) VCF-style: chr3-53757961-G-T.
Other names: c.2095G>T, p.Asp699Tyr (NM_000720.4); c.2035G>T, p.Asp679Tyr (NM_001128839.3); short protein forms D679Y, D699Y.
Identifiers: ClinVar variation 3718399 (VCV003718399.2).
Genomic context (GRCh38, chr3:53,723,934, plus strand): 5'-CTCTTCATTATCATCTTTTCCTTGCTTGGGATGCAGCTGTTTGGCGGCAAGTTTAATTTT[G>T]ATGAAACGCAAACCAAGCGGAGCACCTTTGACAATTTCCCTCAAGCACTTCTCACAGTGT-3'
Protein context (NP_001122312.1, residues 669-689): MQLFGGKFNF[Asp679Tyr]ETQTKRSTFD

ClinVar aggregate classification (germline): Uncertain significance (1 of 4 stars; one submission).

gnomAD v4.1: 2 of 1,614,080 alleles (0.00012%); highest among the groups gnomAD compares: East Asian, 0.0022%; no homozygotes.

Submission:

Labcorp Genetics (formerly Invitae), Labcorp
Classification: Uncertain significance. Last evaluated: 2024-10-28. Review status: criteria provided, single submitter. Criteria: Invitae Variant Classification Sherloc (09022015). Collection method: clinical testing. Allele origin: germline.
Comment: This sequence change replaces aspartic acid, which is acidic and polar, with tyrosine, which is neutral and polar, at codon 699 of the CACNA1D protein (p.Asp699Tyr). This variant is present in population databases (rs753366323, gnomAD 0.01%). This variant has not been reported in the literature in individuals affected with CACNA1D-related conditions. Invitae Evidence Modeling of protein sequence and biophysical properties (such as structural, functional, and spatial information, amino acid conservation, physicochemical variation, residue mobility, and thermodynamic stability) indicates that this missense variant is not expected to disrupt CACNA1D protein function with a negative predictive value of 80%. In summary, the available evidence is currently insufficient to determine the role of this variant in disease. Therefore, it has been classified as a Variant of Uncertain Significance.